The following is an entry in ClinVar:

ClinVar aggregate classification (germline): Conflicting classifications of pathogenicity. Review status: criteria provided, conflicting classifications (1 of 4 stars). 6 submissions from 6 submitters: Uncertain significance (4); Likely benign (2). Last evaluated 2025-08-16.

Conditions:
Cardiovascular phenotype. Identifiers: MedGen CN230736.
Wolff-Parkinson-White pattern. Also called: Auriculoventricular accessory pathway syndrome; False bundle branch block syndrome; Anomalous ventricular excitation syndrome; WPW SYNDROME. Identifiers: MedGen C0043202, MONDO:0008685, OMIM 194200, HP:0001716.
Hypertrophic cardiomyopathy 6. Identifiers: MedGen C1833236, MONDO:0010946, OMIM 600858.
Cardiomyopathy (CMYO). Also called: Cardiomyopathies. Identifiers: Orphanet 167848, MedGen C0878544, MONDO:0004994, HP:0001638. Inheritance: Various modes of inheritance.
Lethal congenital glycogen storage disease of heart. Also called: PHOSPHORYLASE KINASE DEFICIENCY OF HEART; GLYCOGEN STORAGE DISEASE OF HEART. Identifiers: Orphanet 439854, MedGen C1849813, MONDO:0009867, OMIM 261740.

Allele frequency attached by ClinVar (database versions not stated): gnomAD 0.00005; TOPMed 0.00005; gnomAD exomes 0.00009 and 0.00011; ExAC 0.00017; ESP Exome Variant Server 0.00023.
gnomAD v4.1: 167 of 1,613,966 alleles (0.01%); highest among the groups gnomAD compares: Non-Finnish European, 0.013%; no homozygotes.

Submissions (7):

Labcorp Genetics (formerly Invitae), Labcorp
Classification: Uncertain significance for Lethal congenital glycogen storage disease of heart. Last evaluated: 2025-08-16. Review status: criteria provided, single submitter. Criteria: Invitae Variant Classification Sherloc (09022015). Collection method: clinical testing. Allele origin: germline.
Comment: This sequence change falls in intron 15 of the PRKAG2 gene. It does not directly change the encoded amino acid sequence of the PRKAG2 protein. It affects a nucleotide within the consensus splice site. This variant is present in population databases (rs371543989, gnomAD 0.02%). This variant has not been reported in the literature in individuals affected with PRKAG2-related conditions. ClinVar contains an entry for this variant (Variation ID: 389634). Variants that disrupt the consensus splice site are a relatively common cause of aberrant splicing (PMID: 17576681, 9536098). Algorithms developed to predict the effect of sequence changes on RNA splicing suggest that this variant is not likely to affect RNA splicing. In summary, the available evidence is currently insufficient to determine the role of this variant in disease. Therefore, it has been classified as a Variant of Uncertain Significance.

Clinical Genomics Laboratory, Washington University in St. Louis
Classification: Uncertain significance for Wolff-Parkinson-White pattern; Hypertrophic cardiomyopathy 6. Last evaluated: 2025-01-21. Review status: criteria provided, single submitter. Criteria: ACMG Guidelines, 2015. Collection method: clinical testing. Allele origin: germline.
Comment: The PRKAG2 c.1679-3C>T variant, to our knowledge, has not been reported in the medical literature. This variant has been reported in the ClinVar database as a germline variant of uncertain significance by two submitters and as a germline likely benign variant by two submitters (Variation ID: 389634). The highest population minor allele frequency in the population database genome aggregation database (v.2.1.1) is 0.02% in the non-Finnish European population. Computational predictors suggest that this variant may affect RNA splicing. Due to limited information, and based on ACMG/AMP guidelines for variant interpretation (Richards S et al., PMID: 25741868), the clinical significance of the PRKAG2 c.1679-3C>T variant is uncertain at this time.

Blueprint Genetics
Classification: Uncertain significance. Last evaluated: 2024-08-08. Review status: criteria provided, single submitter. Criteria: ACMG Guidelines, 2015. Collection method: clinical testing. Allele origin: germline.

Ambry Genetics
Classification: Uncertain significance for Cardiovascular phenotype. Last evaluated: 2023-01-27. Review status: criteria provided, single submitter. Criteria: Ambry Variant Classification Scheme 2023. Collection method: clinical testing. Allele origin: germline.
Comment: The c.1679-3C>T intronic variant results from a C to T substitution 3 nucleotides upstream from coding exon 16 in the PRKAG2 gene. This nucleotide position is well conserved in available vertebrate species. In silico splice site analysis for this alteration is inconclusive. Since supporting evidence is limited at this time, the clinical significance of this alteration remains unclear.

Color Diagnostics, LLC DBA Color Health
Classification: Likely benign for Cardiomyopathy. Last evaluated: 2018-11-23. Review status: criteria provided, single submitter. Criteria: ACMG Guidelines, 2015. Collection method: clinical testing. Allele origin: germline.

GeneDx
Classification: Likely benign. Last evaluated: 2016-10-11. Review status: criteria provided, single submitter. Criteria: GeneDx Variant Classification (06012015). Collection method: clinical testing. Allele origin: germline. Affected: yes.
Comment: This variant is considered likely benign or benign based on one or more of the following criteria: it is a conservative change, it occurs at a poorly conserved position in the protein, it is predicted to be benign by multiple in silico algorithms, and/or has population frequency not consistent with disease.

Dr. Peter K. Rogan Lab, Western University
No classification provided (evidence only). Condition: Familial cancer of breast. Review status: no classification provided. Collection method: in vitro. Allele origin: not applicable. Functional consequence: retained intron. Not counted in ClinVar's aggregate classification.

Literature cited by the submitters: PubMed 17576681 (cited by Labcorp Genetics (formerly Invitae), Labcorp); PubMed 9536098 (cited by Labcorp Genetics (formerly Invitae), Labcorp).

NM_016203.4(PRKAG2):c.1679-3C>T

Gene: PRKAG2 (protein kinase AMP-activated non-catalytic subunit gamma 2; minus strand). Cytogenetic location: 7q36.1.
Variant type: single nucleotide variant.
Coding change: c.1679-3C>T on transcript NM_016203.4 (MANE Select); 3 bases into the intron before coding-DNA position 1679, C replaced by T.
Molecular consequence: intron variant.
Genome position (GRCh38, 1-based): chr7:151,557,235, G>A on the plus strand (C>T on the coding strand, the complement: PRKAG2 is on the minus strand). VCF-style: chr7-151557235-G-A. GRCh37 (hg19) VCF-style: chr7-151254321-G-A.
Other names: c.1547-3C>T (NM_001040633.2); c.1304-3C>T (NM_001304527.2); c.1307-3C>T (NM_001363698.2); c.956-3C>T (NM_001304531.2, NM_024429.2).
Identifiers: ClinVar variation 389634 (VCV000389634.18), dbSNP rs371543989, ClinGen allele CA056151.